The following is an entry in ClinVar:

NM_021625.5(TRPV4):c.202C>T (p.Arg68Cys)

Gene: TRPV4 (transient receptor potential cation channel subfamily V member 4; minus strand). Cytogenetic location: 12q24.11.
Variant type: single nucleotide variant.
Coding change: c.202C>T on transcript NM_021625.5 (MANE Select); coding-DNA position 202, C replaced by T.
Protein change: p.Arg68Cys; replaces arginine 68 with cysteine.
Molecular consequence: missense variant.
Genome position (GRCh38, 1-based): chr12:109,814,595, G>A on the plus strand (C>T on the coding strand, the complement: TRPV4 is on the minus strand). VCF-style: chr12-109814595-G-A. GRCh37 (hg19) VCF-style: chr12-110252400-G-A.
Other names: p.Arg68Cys; c.202C>T, p.Arg68Cys (NM_001177428.2, NM_001177433.2, NM_147204.3); c.100C>T, p.Arg34Cys (NM_001177431.2); short protein forms R34C, R68C.
Identifiers: ClinVar variation 651174 (VCV000651174.10), dbSNP rs199624080, ClinGen allele CA6780595.
Genomic context (GRCh38, chr12:109,814,595, plus strand): 5'-ACTCCAGCAGATCGATGGGGTTGGGCACCCCCTTGCGGAAGGCGCCCTGGAACTTCATGC[G>A]CAGATTTGGTCGCCCATCGCCTGGGCCAGCAGGGCGACTGGCATCAGCCGGTGAGGGCGA-3'
Protein context (NP_067638.3, residues 58-78): AGPGDGRPNL[Arg68Cys]MKFQGAFRKG

ClinVar aggregate classification (germline): Uncertain significance. Review status: criteria provided, multiple submitters, no conflicts (2 of 4 stars). 4 submissions from 4 submitters: Uncertain significance (4). Last evaluated 2025-07-21.

Conditions:
Metatropic dysplasia (MTD). Also called: Metatropic Dysplasia, TRPV4-Related; METATROPIC DWARFISM; Metatropic dysplasia, nonlethal dominant. Identifiers: Orphanet 2635, MedGen C0265281, MONDO:0007986, OMIM 156530.
Brachyrachia (short spine dysplasia) (BCYM3). Also called: BRACHYRACHIA; Brachyolmia, TRPV4-Related; Brachyolmia Type 3; Autosomal dominant brachyolmia. Identifiers: Orphanet 93304, MedGen C0432227, MONDO:0007232, OMIM 113500.
Neuronopathy, distal hereditary motor, autosomal dominant 8. Also called: SPINAL MUSCULAR ATROPHY, CONGENITAL BENIGN, WITH CONTRACTURES; NEURONOPATHY, DISTAL HEREDITARY MOTOR, TYPE VIII; NEUROPATHY, DISTAL HEREDITARY MOTOR, TYPE VIII; Autosomal dominant congenital benign spinal muscular atrophy. Identifiers: Orphanet 1216, MedGen C1838492, MONDO:0010839, OMIM 600175.
Scapuloperoneal spinal muscular atrophy (SPSMA). Also called: Scapuloperoneal Spinal Muscular Atrophy, TRPV4-Related; AMYOTROPHY, NEUROGENIC SCAPULOPERONEAL, NEW ENGLAND TYPE; Scapuloperoneal spinal muscular atrophy, autosomal dominant; Scapuloperoneal Form of Spinal Muscular Atrophy. Identifiers: Orphanet 431255, MedGen C0751335, MONDO:0008408, OMIM 181405.
Parastremmatic dwarfism. Identifiers: Orphanet 2646, MedGen C1868616, MONDO:0008196, OMIM 168400.
Sodium serum level quantitative trait locus 1 (SSQTL1). Identifiers: MedGen C3150755, OMIM 613508.
Charcot-Marie-Tooth disease axonal type 2C (HMSN2C). Also called: Charcot-Marie-Tooth Disease Type 2, TRPV4-Related (CMT2C); CHARCOT-MARIE-TOOTH DISEASE, AXONAL, AUTOSOMAL DOMINANT, TYPE 2C; Charcot-Marie-Tooth Neuropathy Type 2C. Identifiers: Orphanet 99937, MedGen C1853710, MONDO:0011633, OMIM 606071.
Familial digital arthropathy-brachydactyly. Identifiers: Orphanet 85169, MedGen C1847406, MONDO:0011732, OMIM 606835.
Spondylometaphyseal dysplasia, Kozlowski type (SMDK). Also called: Dysmorphism arthrogryposis skeletal maturation advanced; Jequier-Kozlowski syndrome; Skeletal dysplasia Jequier-Kozlowski type; SMD Kozlowski type; Spondylometaphyseal Dysplasia, TRPV4-Related (Kozlowski Type). Identifiers: Orphanet 93314, MedGen C0265280, MONDO:0008477, OMIM 184252.
Spondyloepimetaphyseal dysplasia, Maroteaux type (SEDM). Also called: Spondyloepimetaphyseal Dysplasia, TRPV4-Related (Maroteaux Type); SED, MAROTEAUX TYPE; PSEUDO-MORQUIO SYNDROME, TYPE 2. Identifiers: Orphanet 263482, MedGen C3159322, MONDO:0008473, OMIM 184095.
Avascular necrosis of femoral head, primary, 2 (ANFH2). Identifiers: MedGen C4479260, MONDO:0054551, OMIM 617383.
Charcot-Marie-Tooth disease. Also called: Charcot-Marie-Tooth Neuropathy; Charcot-Marie-Tooth Hereditary Neuropathy. Identifiers: Orphanet 166, MedGen C0007959, MONDO:0015626.

Allele frequency attached by ClinVar (database versions not stated): 1000 Genomes Project 30x 0.00031; 1000 Genomes Project 0.00020; ExAC 0.00010; TOPMed 0.00003; gnomAD 0.00005; gnomAD exomes 0.00007.

Submissions (4):

Labcorp Genetics (formerly Invitae), Labcorp
Classification: Uncertain significance for Charcot-Marie-Tooth disease axonal type 2C. Last evaluated: 2025-07-21. Review status: criteria provided, single submitter. Criteria: Invitae Variant Classification Sherloc (09022015). Collection method: clinical testing. Allele origin: germline.
Comment: This sequence change replaces arginine, which is basic and polar, with cysteine, which is neutral and slightly polar, at codon 68 of the TRPV4 protein (p.Arg68Cys). This variant is present in population databases (rs199624080, gnomAD 0.02%). This variant has not been reported in the literature in individuals affected with TRPV4-related conditions. ClinVar contains an entry for this variant (Variation ID: 651174). Invitae Evidence Modeling of protein sequence and biophysical properties (such as structural, functional, and spatial information, amino acid conservation, physicochemical variation, residue mobility, and thermodynamic stability) has been performed for this missense variant. However, the output from this modeling did not meet the statistical confidence thresholds required to predict the impact of this variant on TRPV4 protein function. In summary, the available evidence is currently insufficient to determine the role of this variant in disease. Therefore, it has been classified as a Variant of Uncertain Significance.

Mayo Clinic Laboratories, Mayo Clinic
Classification: Uncertain significance. Last evaluated: 2023-03-14. Review status: criteria provided, single submitter. Criteria: ACMG Guidelines, 2015. Collection method: clinical testing. Allele origin: germline. Observed: 1 variant allele.
Comment: BP5

Fulgent Genetics
Classification: Uncertain significance for Brachyrachia (short spine dysplasia); Metatropic dysplasia; Parastremmatic dwarfism; Scapuloperoneal spinal muscular atrophy; Spondyloepimetaphyseal dysplasia, Maroteaux type; Spondylometaphyseal dysplasia, Kozlowski type; Neuronopathy, distal hereditary motor, autosomal dominant 8; Charcot-Marie-Tooth disease axonal type 2C; Familial digital arthropathy-brachydactyly; Sodium serum level quantitative trait locus 1; Avascular necrosis of femoral head, primary, 2. Last evaluated: 2022-01-17. Review status: criteria provided, single submitter. Criteria: ACMG Guidelines, 2015. Collection method: clinical testing. Allele origin: unknown.

Molecular Genetics Laboratory, London Health Sciences Centre
Classification: Uncertain significance for Charcot-Marie-Tooth disease. Review status: criteria provided, single submitter. Criteria: ACMG Guidelines, 2015. Collection method: clinical testing. Allele origin: germline. Affected: yes.